The following is an entry in ClinVar:

ClinVar aggregate classification (germline): Benign (1 of 4 stars; one submission).

Conditions:
Glycogen storage disease IXd (GSD9D). Also called: GSD IXd; Muscle Phosphorylase Kinase Deficiency. Identifiers: Orphanet 715, MedGen C1845151, MONDO:0010362, OMIM 300559.

Allele frequency attached by ClinVar (database versions not stated): 1000 Genomes Project 30x 0.00166; gnomAD 0.00245 and 0.00263; TOPMed 0.00311; 1000 Genomes Project 0.00159.

Submission:

Illumina Laboratory Services, Illumina
Classification: Benign for Glycogen storage disease IXd. Last evaluated: 2018-01-13. Review status: criteria provided, single submitter. Criteria: ICSL Variant Classification Criteria 13 December 2019. Collection method: clinical testing. Allele origin: germline.
Comment: This variant was observed in the ICSL laboratory as part of a predisposition screen in an ostensibly healthy population. It had not been previously curated by ICSL or reported in the Human Gene Mutation Database (HGMD: prior to June 1st, 2018), and was therefore a candidate for classification through an automated scoring system. Utilizing variant allele frequency, disease prevalence and penetrance estimates, and inheritance mode, an automated score was calculated to assess if this variant is too frequent to cause the disease. Based on the score and internal cut-off values, a variant classified as benign is not then subjected to further curation. The score for this variant resulted in a classification of benign for this disease.

NM_002637.4(PHKA1):c.*804C>T

Gene: PHKA1 (phosphorylase kinase regulatory subunit alpha 1; minus strand). Cytogenetic location: Xq13.1.
Variant type: single nucleotide variant.
Coding change: c.*804C>T on transcript NM_002637.4 (MANE Select); 804 bases downstream of the stop codon, C replaced by T.
Molecular consequence: 3 prime UTR variant.
Genome position (GRCh38, 1-based): chrX:72,580,198, G>A on the plus strand (C>T on the coding strand, the complement: PHKA1 is on the minus strand). VCF-style: chrX-72580198-G-A. GRCh37 (hg19) VCF-style: chrX-71800048-G-A.
Other names: c.*804C>T (NM_001122670.2, NM_001172436.2).
Identifiers: ClinVar variation 912526 (VCV000912526.4), dbSNP rs144538626, ClinGen allele CA331064173.
Genomic context (GRCh38, chrX:72,580,198, plus strand): 5'-TGTATAAGACATTGTCCAGGCATCGTCTCTTCTTTCCCTTCCTCTCTGGAATTGGGCTCC[G>A]GGCTCCATTTCTGGGTTATTCTGCATTTTCTGCTGCAAATACAACTCTGAGTACCAACAA-3'